The following is an entry in ClinVar:

NM_002691.4(POLD1):c.427G>A (p.Gly143Ser)

Gene: POLD1 (DNA polymerase delta 1, catalytic subunit; plus strand). Cytogenetic location: 19q13.33.
Variant type: single nucleotide variant.
Coding change: c.427G>A on transcript NM_002691.4 (MANE Select); coding-DNA position 427, G replaced by A.
Protein change: p.Gly143Ser; replaces glycine 143 with serine.
Molecular consequence: missense variant. On other transcripts: non-coding transcript variant (1).
Genome position (GRCh38, 1-based): chr19:50,401,888, G>A. VCF-style: chr19-50401888-G-A. GRCh37 (hg19) VCF-style: chr19-50905145-G-A.
Other names: c.427G>A, p.Gly143Ser (NM_001256849.1, NM_001308632.1); c.427G>A (NM_002691.2); short protein forms G143S.
Identifiers: ClinVar variation 407949 (VCV000407949.15), dbSNP rs377088357, ClinGen allele CA9595728.
Genomic context (GRCh38, chr19:50,401,888, plus strand): 5'-CCTGTGCTCCGCGCCTTCGGGGTCACCGATGAGGGGTTCTCTGTCTGCTGCCACATCCAC[G>A]GCTTCGCTCCCTACTTCTACACCCCAGCGCCCCCTGGTGAGTGGCCCCTACCCAGCCCCT-3'
Protein context (NP_002682.2, residues 133-153): EGFSVCCHIH[Gly143Ser]FAPYFYTPAP

ClinVar aggregate classification (germline): Uncertain significance. Review status: criteria provided, multiple submitters, no conflicts (2 of 4 stars). 4 submissions from 4 submitters: Uncertain significance (3). 1 of the submissions does not count toward it. Last evaluated 2026-01-28.

Conditions:
Hereditary cancer-predisposing syndrome. Also called: Neoplastic Syndromes, Hereditary; Hereditary neoplastic syndrome; Hereditary Cancer Syndrome; Tumor predisposition. Identifiers: Orphanet 140162, MedGen C0027672, MeSH D009386, MONDO:0015356.
POLD1-related disorder. Also called: POLD1-related disorders; POLD1-related condition.
POLD1-related polyposis and colorectal cancer syndrome (CRCS10). Also called: Colorectal cancer, susceptibility to, 10; Colorectal cancer 10; COLORECTAL CANCER, SUSCEPTIBILITY TO, ON CHROMOSOME 19q. Identifiers: Orphanet 220460, MedGen C2675481, MONDO:0012953, OMIM 612591.

Allele frequency attached by ClinVar (database versions not stated): gnomAD exomes 0.00002 and 0.00003; TOPMed 0.00002; gnomAD 0.00003; ExAC 0.00005; ESP Exome Variant Server 0.00008.
gnomAD v4.1: 32 of 1,613,882 alleles (0.002%); highest among the groups gnomAD compares: Non-Finnish European, 0.0025%; no homozygotes.

Submissions (4):

Labcorp Genetics (formerly Invitae), Labcorp
Classification: Uncertain significance for POLD1-related polyposis and colorectal cancer syndrome. Last evaluated: 2026-01-28. Review status: criteria provided, single submitter. Criteria: Invitae Variant Classification Sherloc (09022015). Collection method: clinical testing. Allele origin: germline.
Comment: This sequence change replaces glycine, which is neutral and non-polar, with serine, which is neutral and polar, at codon 143 of the POLD1 protein (p.Gly143Ser). This variant is present in population databases (rs377088357, gnomAD 0.006%). This variant has not been reported in the literature in individuals affected with POLD1-related conditions. ClinVar contains an entry for this variant (Variation ID: 407949). Invitae Evidence Modeling of protein sequence and biophysical properties (such as structural, functional, and spatial information, amino acid conservation, physicochemical variation, residue mobility, and thermodynamic stability) indicates that this missense variant is not expected to disrupt POLD1 protein function with a negative predictive value of 80%. RNA analysis performed to evaluate the impact of this missense change on mRNA splicing indicates it does not significantly alter splicing (internal data). In summary, the available evidence is currently insufficient to determine the role of this variant in disease. Therefore, it has been classified as a Variant of Uncertain Significance.

Ambry Genetics
Classification: Uncertain significance for Hereditary cancer-predisposing syndrome. Last evaluated: 2025-02-07. Review status: criteria provided, single submitter. Criteria: Ambry Variant Classification Scheme 2023. Collection method: clinical testing. Allele origin: germline.
Comment: The p.G143S variant (also known as c.427G>A), located in coding exon 3 of the POLD1 gene, results from a G to A substitution at nucleotide position 427. The glycine at codon 143 is replaced by serine, an amino acid with similar properties. This amino acid position is highly conserved in available vertebrate species. In addition, the in silico prediction for this alteration is inconclusive. Based on the available evidence, the clinical significance of this variant remains unclear.

GeneDx
Classification: Uncertain significance. Last evaluated: 2024-08-27. Review status: criteria provided, single submitter. Criteria: GeneDx Variant Classification Process June 2021. Collection method: clinical testing. Allele origin: germline. Affected: yes.
Comment: In silico analysis supports that this missense variant has a deleterious effect on protein structure/function; In silico analysis suggests this variant may impact gene splicing. In the absence of RNA/functional studies, the actual effect of this sequence change is unknown.; Has not been previously published as pathogenic or benign to our knowledge; This variant is associated with the following publications: (PMID: 35620275)

PreventionGenetics, part of Exact Sciences
Classification: Uncertain significance for POLD1-related condition. Last evaluated: 2024-07-23. Review status: no assertion criteria provided. Collection method: clinical testing. Allele origin: germline. Not counted in ClinVar's aggregate classification.
Comment: The POLD1 c.427G>A variant is predicted to result in the amino acid substitution p.Gly143Ser. To our knowledge, this variant has not been reported in the literature. In the gnomAD public population database this variant has been reported in up to 0.007% of alleles in a subpopulation and is interpreted as uncertain in ClinVar. At this time, the clinical significance of this variant is uncertain due to the absence of conclusive functional and genetic evidence.